The following is an entry in ClinVar:

ClinVar aggregate classification (germline): Uncertain significance (1 of 4 stars; one submission).

Submission:

GeneDx
Classification: Uncertain significance. Last evaluated: 2022-03-29. Review status: criteria provided, single submitter. Criteria: GeneDx Variant Classification Process June 2021. Collection method: clinical testing. Allele origin: germline. Affected: yes.
Comment: Not observed at significant frequency in large population cohorts (gnomAD); Nonsense variant predicted to result in protein truncation as the last 32 amino acids are lost, although loss-of-function variants have not been reported downstream of this position in the protein; Has not been previously published as pathogenic or benign to our knowledge

NM_058174.3(COL6A2):c.2659del (p.Gly886_Val887insTer)

Gene: COL6A2 (collagen type VI alpha 2 chain; plus strand). Cytogenetic location: 21q22.3.
Variant type: Deletion.
Coding change: c.2659del on transcript NM_058174.3 (MANE Plus Clinical); coding-DNA position 2659, one base deleted (G; older notation c.2659delG).
Protein change: p.Gly886_Val887insTer.
Molecular consequence: nonsense. On other transcripts: 3 prime UTR variant (1), intron variant (1).
Genome position (GRCh38, 1-based): chr21:46,129,393, G deleted; the last of 4 consecutive G bases (chr21:46,129,390-46,129,393); deleting any one gives the same sequence. VCF-style (leftmost placement, unchanged base first): chr21-46129389-CG-C. GRCh37 (hg19) VCF-style: chr21-47549303-CG-C.
Other names: c.*465del (NM_058175.3); c.2462-2561del (NM_001849.4).
Identifiers: ClinVar variation 1722905 (VCV001722905.3), dbSNP rs2517025406, ClinGen allele CA2577630239.
Genomic context (GRCh38, chr21:46,129,389, plus strand): 5'-CGCCTACTCCCAGCTGGTGGCCGTGCTGGTCTACACCGCCGAGCGGGCCAAGTTCGCCAC[CG>C]GGGTAGAGCGGCAGGACTGGATGGAGCTGTTCATTGACACCTTTAAGCTGGTGCACAGGG-3'